The following is an entry in ClinVar:

ClinVar aggregate classification (germline): Likely benign. Review status: criteria provided, multiple submitters, no conflicts (2 of 4 stars). 3 submissions from 3 submitters: Likely benign (3). Last evaluated 2023-12-13.

Conditions:
Malignant hyperthermia, susceptibility to, 1 (MHS1). Also called: RYR1-Related Malignant Hyperthermia Susceptibility; Malignant hyperthermia suceptibility 1; Anesthesia related hyperthermia; Malignant hyperpyrexia; Fulminating hyperpyrexia; Pharmacogenic myopathy. Identifiers: Orphanet 423, MedGen C2930980, MONDO:0007783, OMIM 145600.
RYR1-related disorder. Also called: RYR1-related disorders; RYR1-related condition. Identifiers: MedGen CN239331.

Allele frequency attached by ClinVar (database versions not stated): gnomAD exomes below 0.00001; gnomAD 0.00001.
gnomAD v4.1: 3 of 1,613,992 alleles (0.00019%); highest among the groups gnomAD compares: East Asian, 0.0022%; no homozygotes.

Submissions (3):

Labcorp Genetics (formerly Invitae), Labcorp
Classification: Likely benign for RYR1-related disorder. Last evaluated: 2023-12-13. Review status: criteria provided, single submitter. Criteria: Invitae Variant Classification Sherloc (09022015). Collection method: clinical testing. Allele origin: germline.

All of Us Research Program, National Institutes of Health
Classification: Likely benign for Malignant hyperthermia, susceptibility to, 1. Last evaluated: 2023-08-15. Review status: criteria provided, single submitter. Criteria: ACMG Guidelines, 2015. Collection method: clinical testing. Allele origin: germline. Inheritance: Autosomal dominant inheritance. Observed: 1 variant allele, 1 heterozygote.
Comment: This study involves interpretation of variants in research participants for the purpose of population health screening. Participant phenotype was not available at the time of variant classification. Additional details can be found in publication PMID: 35346344, PMCID: PMC8962531

Blueprint Genetics
Classification: Likely benign. Last evaluated: 2021-06-28. Review status: criteria provided, single submitter. Criteria: ACMG Guidelines, 2015. Collection method: clinical testing. Allele origin: germline.

NM_000540.3(RYR1):c.14739C>T (p.Tyr4913=)

Gene: RYR1 (ryanodine receptor 1; plus strand). Cytogenetic location: 19q13.2.
Variant type: single nucleotide variant.
Coding change: c.14739C>T on transcript NM_000540.3 (MANE Select); coding-DNA position 14739, C replaced by T.
Protein change: p.Tyr4913=; no amino-acid change (tyrosine 4913 retained).
Molecular consequence: synonymous variant.
Genome position (GRCh38, 1-based): chr19:38,585,035, C>T. VCF-style: chr19-38585035-C-T. GRCh37 (hg19) VCF-style: chr19-39075675-C-T.
Other names: c.14724C>T, p.Tyr4908= (NM_001042723.2).
Identifiers: ClinVar variation 2893686 (VCV002893686.5), dbSNP rs1974408024, ClinGen allele CA507246387.